The following is an entry in ClinVar:

ClinVar aggregate classification (germline): Uncertain significance (1 of 4 stars; one submission).

Conditions:
Hereditary cancer-predisposing syndrome. Also called: Tumor predisposition; Neoplastic Syndromes, Hereditary; Hereditary neoplastic syndrome; Hereditary Cancer Syndrome. Identifiers: Orphanet 140162, MedGen C0027672, MeSH D009386, MONDO:0015356.

Submission:

Ambry Genetics
Classification: Uncertain significance for Hereditary cancer-predisposing syndrome. Last evaluated: 2024-08-05. Review status: criteria provided, single submitter. Criteria: Ambry Variant Classification Scheme 2023. Collection method: clinical testing. Allele origin: germline.
Comment: The c.99_113del15 variant (also known as p.A35_G39del) is located in coding exon 1 of the VHL gene. This variant results from an in-frame deletion of 15 nucleotides at positions 99 to 113. This results in the in-frame deletion of 5 amino acids (AEESG) at codons 35 to 39. This amino acid region is not well conserved in available vertebrate species. In addition, this alteration is predicted to be neutral by in silico analysis (Choi Y et al. PLoS ONE. 2012; 7(10):e46688). Based on the available evidence, the clinical significance of this variant remains unclear.

NM_000551.4(VHL):c.99_113del (p.Ala35_Gly39del)

Gene: VHL (von Hippel-Lindau tumor suppressor; plus strand). Cytogenetic location: 3p25.3.
Variant type: Deletion.
Coding change: c.99_113del on transcript NM_000551.4 (MANE Select); coding-DNA positions 99 to 113, 15 bases deleted (GGGCGCCGAGGAGTC).
Protein change: p.Ala35_Gly39del.
Molecular consequence: non-coding transcript variant (on NR_176335.1). On other transcripts: inframe indel (1).
Genome position (GRCh38, 1-based): chr3:10,141,946-10,141,960, GGGCGCCGAGGAGTC deleted; deleting any 15 consecutive bases within chr3:10,141,938-10,141,960 gives the same sequence; the c. name uses the placement nearest the transcript's 3' end. VCF-style (leftmost placement, unchanged base first): chr3-10141937-GGAGGAGTCGGGCGCC-G. GRCh37 (hg19) VCF-style: chr3-10183621-GGAGGAGTCGGGCGCC-G.
Other names: c.99_113del, p.Ala35_Gly39del (NM_001354723.2, NM_198156.3); c.99_113del15 (NM_000551.3).
Identifiers: ClinVar variation 3468026 (VCV003468026.1).